The following is an entry in ClinVar:

ClinVar aggregate classification (germline): Pathogenic/Likely pathogenic. Review status: criteria provided, multiple submitters, no conflicts (2 of 4 stars). 2 submissions from 2 submitters: Pathogenic (1); Likely pathogenic (1). Last evaluated 2025-05-19.

Conditions:
Cystinuria (CSNU). Also called: Cystinuria, non-type I; CYSTINURIA, TYPE I; CYSTINURIA, TYPE II; CYSTINURIA, TYPE III. Identifiers: Orphanet 214, MedGen C0010691, MONDO:0009067, OMIM 220100, HP:0003131.

Submissions (2):

Labcorp Genetics (formerly Invitae), Labcorp
Classification: Pathogenic. Last evaluated: 2025-05-19. Review status: criteria provided, single submitter. Criteria: Invitae Variant Classification Sherloc (09022015). Collection method: clinical testing. Allele origin: germline.
Comment: This sequence change creates a premature translational stop signal (p.Val340Cysfs*22) in the SLC7A9 gene. It is expected to result in an absent or disrupted protein product. Loss-of-function variants in SLC7A9 are known to be pathogenic (PMID: 11157794, 16838140, 25296721). This variant is not present in population databases (gnomAD no frequency). This premature translational stop signal has been observed in individual(s) with cystinuria (PMID: 16609684). This variant is also known as c.1105delA. ClinVar contains an entry for this variant (Variation ID: 3583591). Algorithms developed to predict the effect of sequence changes on RNA splicing suggest that this variant may disrupt the consensus splice site. For these reasons, this variant has been classified as Pathogenic.

Fulgent Genetics
Classification: Likely pathogenic for Cystinuria. Last evaluated: 2024-01-06. Review status: criteria provided, single submitter. Criteria: ACMG Guidelines, 2015. Collection method: clinical testing. Allele origin: germline.

Literature cited by the submitters: PubMed 11157794 (cited by Labcorp Genetics (formerly Invitae), Labcorp); PubMed 16838140 (cited by Labcorp Genetics (formerly Invitae), Labcorp); PubMed 25296721 (cited by Labcorp Genetics (formerly Invitae), Labcorp); PubMed 16609684 (cited by Labcorp Genetics (formerly Invitae), Labcorp).

NM_014270.5(SLC7A9):c.1017del (p.Val340fs)

Gene: SLC7A9 (solute carrier family 7 member 9; minus strand). Cytogenetic location: 19q13.11.
Variant type: Deletion.
Coding change: c.1017del on transcript NM_014270.5 (MANE Select); coding-DNA position 1017, one base deleted (A; older notation c.1017delA).
Protein change: p.Val340fs; shifts the reading frame from valine 340.
Molecular consequence: frameshift variant.
Genome position (GRCh38, 1-based): chr19:32,843,912, T deleted on the plus strand (A on the coding strand, the reverse complement: SLC7A9 is on the minus strand); the first of 3 consecutive T bases (chr19:32,843,912-32,843,914); deleting any one gives the same sequence. VCF-style (leftmost placement, unchanged base first): chr19-32843911-CT-C. GRCh37 (hg19) VCF-style: chr19-33334817-CT-C.
Other names: c.1017del, p.Val340fs (NM_001126335.2, NM_001243036.2); short protein forms V340fs.
Identifiers: ClinVar variation 3583591 (VCV003583591.2).